The following is an entry in ClinVar:

ClinVar aggregate classification (germline): Uncertain significance. Review status: criteria provided, multiple submitters, no conflicts (2 of 4 stars). 2 submissions from 2 submitters: Uncertain significance (2). Last evaluated 2025-04-24.

Conditions:
Candidiasis, familial, 6 (CANDF6). Also called: Candidiasis, familial, 6, autosomal dominant. Identifiers: Orphanet 1334, MedGen C3151405, MONDO:0013503, OMIM 613956.

Allele frequency attached by ClinVar (database versions not stated): gnomAD exomes 0.00002 and 0.00003; TOPMed 0.00002; gnomAD 0.00003; ExAC 0.00004.
gnomAD v4.1: 38 of 1,614,084 alleles (0.0024%); highest among the groups gnomAD compares: Non-Finnish European, 0.0026%; no homozygotes.

Submissions (2):

Ambry Genetics
Classification: Uncertain significance. Last evaluated: 2025-04-24. Review status: criteria provided, single submitter. Criteria: Ambry Variant Classification Scheme 2023. Collection method: clinical testing. Allele origin: germline.

Labcorp Genetics (formerly Invitae), Labcorp
Classification: Uncertain significance for Candidiasis, familial, 6. Last evaluated: 2024-03-02. Review status: criteria provided, single submitter. Criteria: Invitae Variant Classification Sherloc (09022015). Collection method: clinical testing. Allele origin: germline.
Comment: This sequence change replaces serine, which is neutral and polar, with tyrosine, which is neutral and polar, at codon 117 of the IL17F protein (p.Ser117Tyr). This variant is present in population databases (rs767452983, gnomAD 0.008%). This variant has not been reported in the literature in individuals affected with IL17F-related conditions. ClinVar contains an entry for this variant (Variation ID: 1404531). An algorithm developed to predict the effect of missense changes on protein structure and function (PolyPhen-2) suggests that this variant is likely to be disruptive. In summary, the available evidence is currently insufficient to determine the role of this variant in disease. Therefore, it has been classified as a Variant of Uncertain Significance.

NM_052872.4(IL17F):c.350C>A (p.Ser117Tyr)

Gene: IL17F (interleukin 17F; minus strand). Cytogenetic location: 6p12.2.
Variant type: single nucleotide variant.
Coding change: c.350C>A on transcript NM_052872.4 (MANE Select); coding-DNA position 350, C replaced by A.
Protein change: p.Ser117Tyr; replaces serine 117 with tyrosine.
Molecular consequence: missense variant.
Genome position (GRCh38, 1-based): chr6:52,237,073, G>T on the plus strand (C>A on the coding strand, the complement: IL17F is on the minus strand). VCF-style: chr6-52237073-G-T. GRCh37 (hg19) VCF-style: chr6-52101871-G-T.
Other names: c.350C>A (NM_052872.3); short protein forms S117Y.
Identifiers: ClinVar variation 1404531 (VCV001404531.9), dbSNP rs767452983, ClinGen allele CA3854372.